The following is an entry in ClinVar:

ClinVar aggregate classification (germline): Uncertain significance. Review status: criteria provided, multiple submitters, no conflicts (2 of 4 stars). 2 submissions from 2 submitters: Uncertain significance (2). Last evaluated 2025-12-02.

Conditions:
Inborn genetic diseases. Identifiers: MedGen C0950123, MeSH D030342.

Allele frequency attached by ClinVar (database versions not stated): gnomAD exomes below 0.00001.

Submissions (2):

Ambry Genetics
Classification: Uncertain significance for Inborn genetic diseases. Last evaluated: 2025-12-02. Review status: criteria provided, single submitter. Criteria: Ambry Variant Classification Scheme 2023. Collection method: clinical testing. Allele origin: germline.

GeneDx
Classification: Uncertain significance. Last evaluated: 2020-09-08. Review status: criteria provided, single submitter. Criteria: GeneDx Variant Classification Process June 2021. Collection method: clinical testing. Allele origin: germline. Affected: yes.
Comment: Not observed in large population cohorts (Lek et al., 2016); In silico analysis, which includes protein predictors and evolutionary conservation, supports a deleterious effect; Has not been previously published as pathogenic or benign to our knowledge

NM_001386393.1(PANK2):c.737G>A (p.Gly246Glu)

Gene: PANK2 (pantothenate kinase 2; plus strand). Cytogenetic location: 20p13.
Variant type: single nucleotide variant.
Coding change: c.737G>A on transcript NM_001386393.1 (MANE Select); coding-DNA position 737, G replaced by A.
Protein change: p.Gly246Glu; replaces glycine 246 with glutamic acid.
Molecular consequence: missense variant. On other transcripts: 5 prime UTR variant (1), non-coding transcript variant (1).
Genome position (GRCh38, 1-based): chr20:3,910,662, G>A. VCF-style: chr20-3910662-G-A. GRCh37 (hg19) VCF-style: chr20-3891309-G-A.
Other names: c.194G>A, p.Gly65Glu (NM_001324191.2, NM_024960.6, NM_153640.4); c.-242G>A (NM_001324193.2); c.1067G>A, p.Gly356Glu (NM_153638.4); short protein forms G246E, G356E, G65E.
Identifiers: ClinVar variation 1191568 (VCV001191568.3), dbSNP rs2146867020, ClinGen allele CA408114840.